The following is an entry in ClinVar:

ClinVar aggregate classification (germline): Pathogenic (1 of 4 stars; one submission).

Submission:

Quest Diagnostics Nichols Institute San Juan Capistrano
Classification: Pathogenic. Last evaluated: 2023-02-24. Review status: criteria provided, single submitter. Criteria: ACMG/ClinGen CNV Guidelines, 2019. Collection method: clinical testing. Allele origin: unknown.
Comment: This copy number gain is associated with the proximal (LCR22 A-D) 22q11.2 duplication syndrome (OMIM 608363). De novo and inherited duplications of this locus have been associated with a broad range of features (Wenger et al. Mol Autism. 2016 May 6;7:27. PMID: 27158440). Some carriers have no discernable clinical phenotype. See GeneReviews for additional information and references

GRCh37/hg19 22q11.21(chr22:18970560-21465662)x3

Genes: AIFM3 (AIF family member 3; plus strand), ARVCF (ARVCF delta catenin family member; minus strand), C22orf39 (chromosome 22 open reading frame 39; minus strand), CDC45 (cell division cycle 45; plus strand), CLDN5 (claudin 5; minus strand) and 40 more. Cytogenetic location: 22q11.21.
Variant type: copy number gain.
Change: copy number 3 (three copies instead of two) of chr22:18,970,560-21,465,662 (2.50 Mb, GRCh37 coordinates, 1-based), cytogenetic band 22q11.21.
Identifiers: ClinVar variation 565033 (VCV000565033.3).